The following is an entry in ClinVar:

ClinVar aggregate classification (germline): Uncertain significance. Review status: criteria provided, multiple submitters, no conflicts (2 of 4 stars). 3 submissions from 3 submitters: Uncertain significance (3). Last evaluated 2025-01-22.

Conditions:
Epidermolysis bullosa simplex 5B, with muscular dystrophy (EBS5B). Also called: Epidermolysis bullosa simplex with muscular dystrophy; EPIDERMOLYSIS BULLOSA SIMPLEX AND LIMB-GIRDLE MUSCULAR DYSTROPHY. Identifiers: Orphanet 257, MedGen C2931072, MONDO:0009181, OMIM 226670.
Epidermolysis bullosa simplex with nail dystrophy (EBS5D). Identifiers: MedGen C4225309, MONDO:0014661, OMIM 616487.
Epidermolysis bullosa simplex 5C, with pyloric atresia (EBS5C). Also called: Epidermolysis bullosa simplex with pyloric atresia; PLEC-Related Epidermolysis Bullosa with Pyloric Atresia; PLEC1-Related Epidermolysis Bullosa with Pyloric Atresia. Identifiers: Orphanet 158684, MedGen C2677349, MONDO:0012807, OMIM 612138.
Epidermolysis bullosa simplex, Ogna type (EBS5A). Also called: EPIDERMOLYSIS BULLOSA SIMPLEX 5A, OGNA TYPE; Pidermolysis bullosa simplex 5A, Ogna type. Identifiers: Orphanet 79401, MedGen C0432317, MONDO:0007555, OMIM 131950.
Autosomal recessive limb-girdle muscular dystrophy type 2Q (LGMDR17). Also called: MUSCULAR DYSTROPHY, LIMB-GIRDLE, AUTOSOMAL RECESSIVE 17. Identifiers: Orphanet 254361, MedGen C3150989, MONDO:0013390, OMIM 613723.
Inborn genetic diseases. Identifiers: MedGen C0950123, MeSH D030342.

Allele frequency attached by ClinVar (database versions not stated): gnomAD exomes below 0.00001 and 0.00002; TOPMed 0.00001; gnomAD 0.00002.
gnomAD v4.1: 28 of 1,588,576 alleles (0.0018%); highest among the groups gnomAD compares: Non-Finnish European, 0.0024%; no homozygotes.

Submissions (3):

Ambry Genetics
Classification: Uncertain significance for Inborn genetic diseases. Last evaluated: 2025-01-22. Review status: criteria provided, single submitter. Criteria: Ambry Variant Classification Scheme 2023. Collection method: clinical testing. Allele origin: germline.

Labcorp Genetics (formerly Invitae), Labcorp
Classification: Uncertain significance for Autosomal recessive limb-girdle muscular dystrophy type 2Q; Epidermolysis bullosa simplex, Ogna type; Epidermolysis bullosa simplex with nail dystrophy; Epidermolysis bullosa simplex 5C, with pyloric atresia; Epidermolysis bullosa simplex 5B, with muscular dystrophy. Last evaluated: 2024-01-19. Review status: criteria provided, single submitter. Criteria: Invitae Variant Classification Sherloc (09022015). Collection method: clinical testing. Allele origin: germline.
Comment: This sequence change replaces alanine, which is neutral and non-polar, with valine, which is neutral and non-polar, at codon 1593 of the PLEC protein (p.Ala1593Val). The frequency data for this variant in the population databases is considered unreliable, as metrics indicate poor data quality at this position in the gnomAD database. This variant has not been reported in the literature in individuals affected with PLEC-related conditions. ClinVar contains an entry for this variant (Variation ID: 1163309). Experimental studies and prediction algorithms are not available or were not evaluated, and the functional significance of this variant is currently unknown. In summary, the available evidence is currently insufficient to determine the role of this variant in disease. Therefore, it has been classified as a Variant of Uncertain Significance.

Mayo Clinic Laboratories, Mayo Clinic
Classification: Uncertain significance. Last evaluated: 2020-02-18. Review status: criteria provided, single submitter. Criteria: ACMG Guidelines, 2015. Collection method: clinical testing. Allele origin: germline. Observed: 1 variant allele.

NM_201384.3(PLEC):c.4697C>T (p.Ala1566Val)

Gene: PLEC (plectin; minus strand). Cytogenetic location: 8q24.3.
Variant type: single nucleotide variant.
Coding change: c.4697C>T on transcript NM_201384.3 (MANE Select); coding-DNA position 4697, C replaced by T.
Protein change: p.Ala1566Val; replaces alanine 1566 with valine.
Molecular consequence: missense variant.
Genome position (GRCh38, 1-based): chr8:143,925,232, G>A on the plus strand (C>T on the coding strand, the complement: PLEC is on the minus strand). VCF-style: chr8-143925232-G-A. GRCh37 (hg19) VCF-style: chr8-144999400-G-A.
Other names: c.4601C>T, p.Ala1534Val (NM_201381.3); c.4697C>T, p.Ala1566Val (NM_201382.4); c.4709C>T, p.Ala1570Val (NM_201383.3); c.4778C>T (NM_000445.3); c.4778C>T, p.Ala1593Val (NM_000445.5); c.4655C>T, p.Ala1552Val (NM_201378.4); c.4631C>T, p.Ala1544Val (NM_201379.3); c.5108C>T, p.Ala1703Val (NM_201380.4); short protein forms A1534V, A1544V, A1552V, A1566V, A1570V, A1593V, A1703V.
Identifiers: ClinVar variation 1163309 (VCV001163309.13), dbSNP rs1407991375, ClinGen allele CA372553944.